The following is an entry in ClinVar:

ClinVar aggregate classification (germline): Uncertain significance. Review status: criteria provided, multiple submitters, no conflicts (2 of 4 stars). 7 submissions from 6 submitters: Uncertain significance (7). Last evaluated 2025-03-02.

Conditions:
Hirschsprung disease, susceptibility to, 1 (HSCR1). Also called: RET-Related Hirschsprung Disease. Identifiers: Orphanet 388, MedGen C3888239, MONDO:0007723, OMIM 142623.
Multiple endocrine neoplasia type 2B. Also called: WAGENMANN-FROBOESE SYNDROME; MULTIPLE ENDOCRINE NEOPLASIA, TYPE III; MULTIPLE ENDOCRINE NEOPLASIA, TYPE IIB; MEN IIB; NEUROMATA, MUCOSAL, WITH ENDOCRINE TUMORS; MEN 2B. Identifiers: Orphanet 247709, Orphanet 653, MedGen C0025269, MeSH D018814, MONDO:0008082, OMIM 162300.
Pheochromocytoma. Also called: MAX-Related Hereditary Paraganglioma-Pheochromocytoma Syndrome. Identifiers: Orphanet 29072, MedGen C0031511, MONDO:0008233, OMIM 171300, HP:0002666.
Familial medullary thyroid carcinoma (MTC). Also called: Thyroid cancer, familial medullary; MTC, familial; Familial Medullary Thyroid Carcinoma (FMTC). Identifiers: Orphanet 653, Orphanet 99361, MedGen C1833921, MONDO:0007958, OMIM 155240.
Multiple endocrine neoplasia type 2A. Also called: Multiple Endocrine Neoplasia Type 2A (MEN2A); MULTIPLE ENDOCRINE NEOPLASIA, TYPE IIA; PTC SYNDROME; SIPPLE SYNDROME; MEN 2A; MEN-2A syndrome. Identifiers: Orphanet 247698, Orphanet 653, MedGen C0025268, MeSH D018813, MONDO:0008234, OMIM 171400.
Hereditary cancer-predisposing syndrome. Also called: Tumor predisposition; Hereditary Cancer Syndrome; Hereditary neoplastic syndrome; Neoplastic Syndromes, Hereditary. Identifiers: Orphanet 140162, MedGen C0027672, MeSH D009386, MONDO:0015356.
Congenital central hypoventilation. Also called: Congenital Central Hypoventilation Syndrome. Identifiers: Orphanet 661, Orphanet 99803, MedGen C1275808, MONDO:0800031. Disease mechanism: gain of function.
Multiple endocrine neoplasia, type 2 (MEN2). Identifiers: Orphanet 653, MedGen C4048306, MONDO:0019003. Disease mechanism: gain of function.

Allele frequency attached by ClinVar (database versions not stated): ExAC 0.00001; gnomAD 0.00001; gnomAD exomes 0.00001; TOPMed 0.00001.
gnomAD v4.1: 14 of 1,613,842 alleles (0.00087%); highest among the groups gnomAD compares: Middle Eastern, 0.049%; no homozygotes.

Submissions (7):

Labcorp Genetics (formerly Invitae), Labcorp
Classification: Uncertain significance for Multiple endocrine neoplasia, type 2. Last evaluated: 2025-03-02. Review status: criteria provided, single submitter. Criteria: Invitae Variant Classification Sherloc (09022015). Collection method: clinical testing. Allele origin: germline.
Comment: This sequence change replaces tyrosine, which is neutral and polar, with cysteine, which is neutral and slightly polar, at codon 483 of the RET protein (p.Tyr483Cys). This variant is present in population databases (rs752322996, gnomAD 0.002%). This variant has not been reported in the literature in individuals affected with RET-related conditions. ClinVar contains an entry for this variant (Variation ID: 405534). An algorithm developed to predict the effect of missense changes on protein structure and function (PolyPhen-2) suggests that this variant is likely to be disruptive. In summary, the available evidence is currently insufficient to determine the role of this variant in disease. Therefore, it has been classified as a Variant of Uncertain Significance.

Fulgent Genetics
Classification: Uncertain significance for Hirschsprung disease, susceptibility to, 1; Familial medullary thyroid carcinoma; Multiple endocrine neoplasia type 2B; Pheochromocytoma; Multiple endocrine neoplasia type 2A. Last evaluated: 2024-04-10. Review status: criteria provided, single submitter. Criteria: ACMG Guidelines, 2015. Collection method: clinical testing. Allele origin: germline.

Ambry Genetics
Classification: Uncertain significance for Hereditary cancer-predisposing syndrome. Last evaluated: 2024-02-27. Review status: criteria provided, single submitter. Criteria: Ambry Variant Classification Scheme 2023. Collection method: clinical testing. Allele origin: germline.
Comment: The p.Y483C variant (also known as c.1448A>G), located in coding exon 7 of the RET gene, results from an A to G substitution at nucleotide position 1448. The tyrosine at codon 483 is replaced by cysteine, an amino acid with highly dissimilar properties. This amino acid position is highly conserved in available vertebrate species. In addition, the in silico prediction for this alteration is inconclusive. Based on data from gnomAD, the frequency for this variant is above the maximum credible frequency for a MEN2-causing variant in this gene based on internally established thresholds (Karczewski et al. Nature. 2020 May;581(7809):434-443; Whiffin et al. Genet Med. 2017 10;19:1151-1158). Based on the supporting evidence, the association of this alteration with Hirschsprung disease is unknown; however, the association of this alteration with MEN2 is unlikely.

Baylor Genetics
Classification: Uncertain significance for Hirschsprung disease, susceptibility to, 1. Last evaluated: 2024-01-26. Review status: criteria provided, single submitter. Criteria: ACMG Guidelines, 2015. Collection method: clinical testing. Allele origin: unknown.

Color Diagnostics, LLC DBA Color Health
Classification: Uncertain significance for Multiple endocrine neoplasia, type 2. Last evaluated: 2023-11-15. Review status: criteria provided, single submitter. Criteria: ACMG Guidelines, 2015. Collection method: clinical testing. Allele origin: germline.
Comment: This missense variant replaces tyrosine with cysteine at codon 483 of the RET protein. Computational prediction suggests that this variant may not impact protein structure and function. To our knowledge, functional studies have not been reported for this variant. This variant has not been reported in individuals affected with RET-related disorders in the literature. This variant has been identified in 2/251246 chromosomes in the general population by the Genome Aggregation Database (gnomAD). The available evidence is insufficient to determine the role of this variant in disease conclusively. Therefore, this variant is classified as a Variant of Uncertain Significance.

Fulgent Genetics
Classification: Uncertain significance for Hirschsprung disease, susceptibility to, 1; Familial medullary thyroid carcinoma; Multiple endocrine neoplasia type 2B; Pheochromocytoma; Multiple endocrine neoplasia type 2A; Central hypoventilation syndrome, congenital, 1, with or without Hirschsprung disease. Last evaluated: 2018-10-31. Review status: criteria provided, single submitter. Criteria: ACMG Guidelines, 2015. Collection method: clinical testing. Allele origin: unknown.

Mendelics
Classification: Uncertain significance for Multiple endocrine neoplasia, type 2a. Last evaluated: 2018-07-02. Review status: criteria provided, single submitter. Criteria: Mendelics Assertion Criteria 2017. Collection method: clinical testing. Allele origin: unknown.

NM_020975.6(RET):c.1448A>G (p.Tyr483Cys)

Gene: RET (ret proto-oncogene; plus strand). Cytogenetic location: 10q11.21.
Variant type: single nucleotide variant.
Coding change: c.1448A>G on transcript NM_020975.6 (MANE Select); coding-DNA position 1448, A replaced by G.
Protein change: p.Tyr483Cys; replaces tyrosine 483 with cysteine.
Molecular consequence: missense variant.
Genome position (GRCh38, 1-based): chr10:43,111,391, A>G. VCF-style: chr10-43111391-A-G. GRCh37 (hg19) VCF-style: chr10-43606839-A-G.
Other names: c.1448A>G, p.Tyr483Cys (NM_000323.2, NM_001406743.1, NM_001406744.1 and 6 more transcripts); c.686A>G, p.Tyr229Cys (NM_001355216.2); c.1319A>G, p.Tyr440Cys (NM_001406761.1, NM_001406762.1, NM_001406764.1 and 1 more transcripts); c.1010A>G, p.Tyr337Cys (NM_001406773.1, NM_001406771.1); c.923A>G, p.Tyr308Cys (NM_001406774.1); c.722A>G, p.Tyr241Cys (NM_001406775.1, NM_001406776.1, NM_001406777.1 and 1 more transcripts); c.458A>G, p.Tyr153Cys (NM_001406784.1); c.1160A>G, p.Tyr387Cys (NM_001406766.1, NM_001406767.1, NM_001406770.1); and 1 more; short protein forms Y483C, Y229C, Y308C, Y337C, Y387C, Y241C, Y153C, Y351C.
Identifiers: ClinVar variation 405534 (VCV000405534.17), dbSNP rs752322996, ClinGen allele CA033671.